The following is an entry in ClinVar:

NM_001197104.2(KMT2A):c.7088C>T (p.Ser2363Phe)

Gene: KMT2A (lysine methyltransferase 2A; plus strand). Cytogenetic location: 11q23.3.
Variant type: single nucleotide variant.
Coding change: c.7088C>T on transcript NM_001197104.2 (MANE Select); coding-DNA position 7088, C replaced by T.
Protein change: p.Ser2363Phe; replaces serine 2363 with phenylalanine.
Molecular consequence: missense variant.
Genome position (GRCh38, 1-based): chr11:118,502,980, C>T. VCF-style: chr11-118502980-C-T. GRCh37 (hg19) VCF-style: chr11-118373695-C-T.
Other names: c.7178C>T, p.Ser2393Phe (NM_001412597.1); c.7079C>T, p.Ser2360Phe (NM_005933.4); short protein forms S2393F, S2360F, S2363F.
Identifiers: ClinVar variation 2837381 (VCV002837381.3), dbSNP rs949762390, ClinGen allele CA229526666.

ClinVar aggregate classification (germline): Uncertain significance (1 of 4 stars; one submission).

Submission:

Labcorp Genetics (formerly Invitae), Labcorp
Classification: Uncertain significance. Last evaluated: 2023-02-14. Review status: criteria provided, single submitter. Criteria: Invitae Variant Classification Sherloc (09022015). Collection method: clinical testing. Allele origin: germline.
Comment: Advanced modeling of protein sequence and biophysical properties (such as structural, functional, and spatial information, amino acid conservation, physicochemical variation, residue mobility, and thermodynamic stability) performed at Invitae indicates that this missense variant is not expected to disrupt KMT2A protein function. This variant has not been reported in the literature in individuals affected with KMT2A-related conditions. This variant is not present in population databases (gnomAD no frequency). This sequence change replaces serine, which is neutral and polar, with phenylalanine, which is neutral and non-polar, at codon 2363 of the KMT2A protein (p.Ser2363Phe). In summary, the available evidence is currently insufficient to determine the role of this variant in disease. Therefore, it has been classified as a Variant of Uncertain Significance.